The following is an entry in ClinVar:

ClinVar aggregate classification (germline): Likely pathogenic (1 of 4 stars; one submission).

Conditions:
Familial hyperparathyroidism or Hypocalciuric hypercalcaemia.

Submission:

Cambridge Genomics Laboratory, East Genomic Laboratory Hub, NHS Genomic Medicine Service
Classification: Likely pathogenic for Familial hyperparathyroidism or Hypocalciuric hypercalcaemia. Last evaluated: 2025-09-17. Review status: criteria provided, single submitter. Criteria: ACGS Best Practice Guidelines for Variant Classification in Rare Disease 2020. Collection method: clinical testing. Allele origin: germline. Affected: yes.
Comment: PS4_Supporting,PM2,PP3,PP4_Moderate

NM_000388.4(CASR):c.547T>C (p.Phe183Leu)

Gene: CASR (calcium sensing receptor; plus strand). Cytogenetic location: 3q21.1.
Variant type: single nucleotide variant.
Coding change: c.547T>C on transcript NM_000388.4 (MANE Select); coding-DNA position 547, T replaced by C.
Protein change: p.Phe183Leu; replaces phenylalanine 183 with leucine.
Molecular consequence: missense variant.
Genome position (GRCh38, 1-based): chr3:122,261,582, T>C. VCF-style: chr3-122261582-T-C. GRCh37 (hg19) VCF-style: chr3-121980429-T-C.
Other names: c.547T>C, p.Phe183Leu (NM_001178065.2); short protein forms F183L.
Identifiers: ClinVar variation 4540599 (VCV004540599.1).